The following is an entry in ClinVar:

ClinVar aggregate classification (germline): Pathogenic. Review status: criteria provided, multiple submitters, no conflicts (2 of 4 stars). 3 submissions from 3 submitters: Pathogenic (3). Last evaluated 2024-10-04.

Conditions:
Hereditary cancer-predisposing syndrome. Also called: Neoplastic Syndromes, Hereditary; Tumor predisposition; Hereditary Cancer Syndrome; Hereditary neoplastic syndrome. Identifiers: Orphanet 140162, MedGen C0027672, MeSH D009386, MONDO:0015356.
Familial cancer of breast. Also called: BREAST CANCER, FAMILIAL; Hereditary breast cancer; hereditary breast carcinoma. Identifiers: Orphanet 227535, MedGen C0346153, MONDO:0016419, OMIM 114480. Disease mechanism: loss of function.

Submissions (3):

Ambry Genetics
Classification: Pathogenic for Hereditary cancer-predisposing syndrome. Last evaluated: 2024-10-04. Review status: criteria provided, single submitter. Criteria: Ambry Variant Classification Scheme 2023. Collection method: clinical testing. Allele origin: germline.
Comment: The p.Y113* pathogenic mutation (also known as c.339C>A), located in coding exon 2 of the CHEK2 gene, results from a C to A substitution at nucleotide position 339. This changes the amino acid from a tyrosine to a stop codon within coding exon 2. This alteration is expected to result in loss of function by premature protein truncation or nonsense-mediated mRNA decay. As such, this alteration is interpreted as a disease-causing mutation.

Myriad Genetics, Inc.
Classification: Pathogenic for Familial cancer of breast. Last evaluated: 2023-06-23. Review status: criteria provided, single submitter. Criteria: Myriad Autosomal Dominant, Autosomal Recessive and X-Linked Classification Criteria (2023). Collection method: clinical testing. Allele origin: unknown.
Comment: This variant is considered pathogenic. This variant creates a termination codon and is predicted to result in premature protein truncation.

Labcorp Genetics (formerly Invitae), Labcorp
Classification: Pathogenic for Familial cancer of breast. Last evaluated: 2022-07-19. Review status: criteria provided, single submitter. Criteria: Invitae Variant Classification Sherloc (09022015). Collection method: clinical testing. Allele origin: germline.
Comment: This sequence change creates a premature translational stop signal (p.Tyr113*) in the CHEK2 gene. It is expected to result in an absent or disrupted protein product. Loss-of-function variants in CHEK2 are known to be pathogenic (PMID: 21876083, 24713400). This variant is not present in population databases (gnomAD no frequency). This premature translational stop signal has been observed in individual(s) with prostate cancer (PMID: 27433846). For these reasons, this variant has been classified as Pathogenic.

Literature cited by the submitters: PubMed 21876083 (cited by Labcorp Genetics (formerly Invitae), Labcorp); PubMed 24713400 (cited by Labcorp Genetics (formerly Invitae), Labcorp); PubMed 27433846 (cited by Labcorp Genetics (formerly Invitae), Labcorp).

NM_007194.4(CHEK2):c.339C>A (p.Tyr113Ter)

Gene: CHEK2 (checkpoint kinase 2; minus strand). Cytogenetic location: 22q12.1.
Variant type: single nucleotide variant.
Coding change: c.339C>A on transcript NM_007194.4 (MANE Select); coding-DNA position 339, C replaced by A.
Protein change: p.Tyr113Ter; replaces tyrosine 113 with a stop codon.
Molecular consequence: nonsense.
Genome position (GRCh38, 1-based): chr22:28,725,348, G>T on the plus strand (C>A on the coding strand, the complement: CHEK2 is on the minus strand). VCF-style: chr22-28725348-G-T. GRCh37 (hg19) VCF-style: chr22-29121336-G-T.
Other names: c.468C>A, p.Tyr156Ter (NM_001005735.3); c.-439C>A (NM_001257387.3); c.339C>A, p.Tyr113Ter (NM_001349956.3, NM_145862.3); short protein forms Y113*, Y156*.
Identifiers: ClinVar variation 1730972 (VCV001730972.10), dbSNP rs905674348, ClinGen allele CA411108231.
Genomic context (GRCh38, chr22:28,725,348, plus strand): 5'-TGTTCTTTTCAGCAGTGGTTCATCAAAGCAATATTCACAGCTTTTGTCCCTCCCAAACCA[G>T]TAGTTGTCATTCACACATTCTGTAATATAAAAGCATGCATCAGAGGGCTGTTGAATTTCA-3'